The following is an entry in ClinVar:

ClinVar aggregate classification (germline): Uncertain significance (1 of 4 stars; one submission).

Conditions:
Primary ciliary dyskinesia. Also called: Ciliary dyskinesia. Identifiers: Orphanet 244, MedGen C0008780, MONDO:0016575, HP:0012265.

Allele frequency attached by ClinVar (database versions not stated): TOPMed 0.00002.
gnomAD v4.1: 12 of 1,613,522 alleles (0.00074%); highest among the groups gnomAD compares: Admixed American, 0.01%; no homozygotes.

Submission:

Labcorp Genetics (formerly Invitae), Labcorp
Classification: Uncertain significance for Primary ciliary dyskinesia. Last evaluated: 2021-09-01. Review status: criteria provided, single submitter. Criteria: Invitae Variant Classification Sherloc (09022015). Collection method: clinical testing. Allele origin: germline.
Comment: This sequence change replaces glutamic acid with glutamine at codon 780 of the DNAAF2 protein (p.Glu780Gln). The glutamic acid residue is moderately conserved and there is a small physicochemical difference between glutamic acid and glutamine. This variant is present in population databases (rs778899267, ExAC 0.009%). This variant has not been reported in the literature in individuals affected with DNAAF2-related conditions. Algorithms developed to predict the effect of missense changes on protein structure and function (SIFT, PolyPhen-2, Align-GVGD) all suggest that this variant is likely to be tolerated. In summary, the available evidence is currently insufficient to determine the role of this variant in disease. Therefore, it has been classified as a Variant of Uncertain Significance.

NM_018139.3(DNAAF2):c.2338G>C (p.Glu780Gln)

Gene: DNAAF2 (dynein axonemal assembly factor 2; minus strand). Cytogenetic location: 14q21.3.
Variant type: single nucleotide variant.
Coding change: c.2338G>C on transcript NM_018139.3 (MANE Select); coding-DNA position 2338, G replaced by C.
Protein change: p.Glu780Gln; replaces glutamic acid 780 with glutamine.
Molecular consequence: missense variant.
Genome position (GRCh38, 1-based): chr14:49,625,718, C>G on the plus strand (G>C on the coding strand, the complement: DNAAF2 is on the minus strand). VCF-style: chr14-49625718-C-G. GRCh37 (hg19) VCF-style: chr14-50092436-C-G.
Other names: c.2194G>C, p.Glu732Gln (NM_001083908.2); c.127G>C, p.Glu43Gln (NM_001378453.1); short protein forms E780Q, E732Q, E43Q.
Identifiers: ClinVar variation 566666 (VCV000566666.17), dbSNP rs778899267, ClinGen allele CA7172719.